The following is an entry in ClinVar:

NM_004733.4(SLC33A1):c.1531T>C (p.Tyr511His)

Gene: SLC33A1 (solute carrier family 33 member 1; minus strand). Cytogenetic location: 3q25.31.
Variant type: single nucleotide variant.
Coding change: c.1531T>C on transcript NM_004733.4 (MANE Select); coding-DNA position 1531, T replaced by C.
Protein change: p.Tyr511His; replaces tyrosine 511 with histidine.
Molecular consequence: missense variant.
Genome position (GRCh38, 1-based): chr3:155,828,329, A>G on the plus strand (T>C on the coding strand, the complement: SLC33A1 is on the minus strand). VCF-style: chr3-155828329-A-G. GRCh37 (hg19) VCF-style: chr3-155546118-A-G.
Other names: c.1531T>C, p.Tyr511His (NM_001190992.2); c.1225T>C, p.Tyr409His (NM_001363883.1); short protein forms Y409H, Y511H.
Identifiers: ClinVar variation 2581927 (VCV002581927.1), dbSNP rs770512726, ClinGen allele CA2677214.

ClinVar aggregate classification (germline): Uncertain significance (1 of 4 stars; one submission).

Allele frequency attached by ClinVar (database versions not stated): TOPMed 0.00001; gnomAD 0.00003; gnomAD exomes 0.00005; ExAC 0.00006.
gnomAD v4.1: 69 of 1,607,494 alleles (0.0043%); highest among the groups gnomAD compares: South Asian, 0.071%; 1 homozygote.

Submission:

GeneDx
Classification: Uncertain significance. Last evaluated: 2023-03-27. Review status: criteria provided, single submitter. Criteria: GeneDx Variant Classification Process June 2021. Collection method: clinical testing. Allele origin: germline. Affected: yes.
Comment: In silico analysis supports that this missense variant has a deleterious effect on protein structure/function; Has not been previously published as pathogenic or benign to our knowledge